The following is an entry in ClinVar:

NM_001655.5(ARCN1):c.207C>G (p.Ile69Met)

Gene: ARCN1 (archain 1 coat protein complex I subunit delta; plus strand). Cytogenetic location: 11q23.3.
Variant type: single nucleotide variant.
Coding change: c.207C>G on transcript NM_001655.5 (MANE Select); coding-DNA position 207, C replaced by G.
Protein change: p.Ile69Met; replaces isoleucine 69 with methionine.
Molecular consequence: missense variant. On other transcripts: non-coding transcript variant (2), intron variant (3).
Genome position (GRCh38, 1-based): chr11:118,581,449, C>G. VCF-style: chr11-118581449-C-G. GRCh37 (hg19) VCF-style: chr11-118452164-C-G.
Other names: c.207C>G, p.Ile69Met (NM_001425073.1, NM_001425074.1, NM_001425077.1 and 2 more transcripts); c.150C>G, p.Ile50Met (NM_001425075.1); c.138C>G, p.Ile46Met (NM_001425076.1); c.4-1730C>G (NM_001142281.2, NM_001425081.1); c.4-2360C>G (NM_001425080.1); short protein forms I46M, I69M, I50M.
Identifiers: ClinVar variation 3638164 (VCV003638164.2).

ClinVar aggregate classification (germline): Uncertain significance (1 of 4 stars; one submission).

gnomAD v4.1: 3 of 1,614,144 alleles (0.00019%); highest among the groups gnomAD compares: Non-Finnish European, 0.00025%; no homozygotes.

Submission:

Labcorp Genetics (formerly Invitae), Labcorp
Classification: Uncertain significance. Last evaluated: 2024-02-01. Review status: criteria provided, single submitter. Criteria: Invitae Variant Classification Sherloc (09022015). Collection method: clinical testing. Allele origin: germline.
Comment: This sequence change replaces isoleucine, which is neutral and non-polar, with methionine, which is neutral and non-polar, at codon 69 of the ARCN1 protein (p.Ile69Met). This variant is present in population databases (no rsID available, gnomAD 0.0009%). This variant has not been reported in the literature in individuals affected with ARCN1-related conditions. An algorithm developed to predict the effect of missense changes on protein structure and function (PolyPhen-2) suggests that this variant is likely to be disruptive. In summary, the available evidence is currently insufficient to determine the role of this variant in disease. Therefore, it has been classified as a Variant of Uncertain Significance.